The following is an entry in ClinVar:

NM_002432.3(MNDA):c.1012A>G (p.Ile338Val)

Gene: MNDA (myeloid cell nuclear differentiation antigen; plus strand). Cytogenetic location: 1q23.1.
Variant type: single nucleotide variant.
Coding change: c.1012A>G on transcript NM_002432.3 (MANE Select); coding-DNA position 1012, A replaced by G.
Protein change: p.Ile338Val; replaces isoleucine 338 with valine.
Molecular consequence: missense variant.
Genome position (GRCh38, 1-based): chr1:158,847,752, A>G. VCF-style: chr1-158847752-A-G. GRCh37 (hg19) VCF-style: chr1-158817542-A-G.
Other names: short protein forms I338V.
Identifiers: ClinVar variation 3222161 (VCV003222161.1), dbSNP rs1396221507, ClinGen allele CA343043729.

ClinVar aggregate classification (germline): Uncertain significance (1 of 4 stars; one submission).

Submission:

Ambry Genetics
Classification: Uncertain significance. Last evaluated: 2023-11-08. Review status: criteria provided, single submitter. Criteria: Ambry Variant Classification Scheme 2023. Collection method: clinical testing. Allele origin: germline.
Comment: The p.I338V variant (also known as c.1012A>G), located in coding exon 5 of the MNDA gene, results from an A to G substitution at nucleotide position 1012. The isoleucine at codon 338 is replaced by valine, an amino acid with highly similar properties. This amino acid position is conserved. In addition, this alteration is predicted to be tolerated by in silico analysis. Since supporting evidence is limited at this time, the clinical significance of this alteration remains unclear.